The following is an entry in ClinVar:

ClinVar aggregate classification (germline): Pathogenic (1 of 4 stars; one submission).

Conditions:
Hereditary nonpolyposis colon cancer (HNPCC). Also called: Hereditary nonpolyposis colorectal cancer; Familial nonpolyposis colon cancer; Hereditary Nonpolyposis Colorectal Cancer Syndrome. Identifiers: Orphanet 443909, MedGen C1333990, MONDO:0018630. Disease mechanism: loss of function.

Submission:

Department of Genetic and Genomic Medicine, National Cheng Kung University Hospital
Classification: Pathogenic for Hereditary nonpolyposis colorectal cancer. Last evaluated: 2024-10-06. Review status: criteria provided, single submitter. Criteria: ACMG Guidelines, 2015. Collection method: research. Allele origin: germline. Inheritance: Autosomal dominant inheritance. Affected: yes. Observed: 2 heterozygotes. Clinical features observed: Colon cancer (HP:0003003). Segregation with disease observed.
Comment: Variant classification was performed using the VarSome platform. The variant is frameshift deletion. (PVS1) This is a variant that not found in gnomAD, and therefore meets the criteria of PM2. Beisdes, patient had family history that is highly specific for lynch syndrome with a single genetic etiology. (PP4) Assertion score is 9 according to PMID:32720330.

Literature cited by the submitters: PubMed 32720330.

NM_000179.3(MSH6):c.2276_2277del (p.Leu759fs)

Gene: MSH6 (mutS homolog 6; plus strand). Cytogenetic location: 2p16.3.
Variant type: Deletion.
Coding change: c.2276_2277del on transcript NM_000179.3 (MANE Select); coding-DNA positions 2276 to 2277, 2 bases deleted (TA; older notation c.2276_2277delTA).
Protein change: p.Leu759fs; shifts the reading frame from leucine 759.
Molecular consequence: frameshift variant. On other transcripts: non-coding transcript variant (5), intron variant (2).
Genome position (GRCh38, 1-based): chr2:47,800,259-47,800,260, TA deleted. VCF-style (leftmost placement, unchanged base first): chr2-47800258-CTA-C. GRCh37 (hg19) VCF-style: chr2-48027397-CTA-C.
Other names: c.1886_1887del, p.Leu629fs (NM_001281492.2); c.1370_1371del, p.Leu457fs (NM_001281493.2, NM_001281494.2, NM_001406811.1 and 6 more transcripts); c.2372_2373del, p.Leu791fs (NM_001406795.1, NM_001406802.1); c.2276_2277del, p.Leu759fs (NM_001406796.1, NM_001406798.1, NM_001406800.1 and 3 more transcripts); c.1979_1980del, p.Leu660fs (NM_001406797.1, NM_001406801.1, NM_001406805.1 and 10 more transcripts); c.1751_1752del, p.Leu584fs (NM_001406799.1, NM_001406806.1, NM_001406807.1); c.2198_2199del, p.Leu733fs (NM_001406804.1); c.2282_2283del, p.Leu761fs (NM_001406813.1); and 3 more; short protein forms L457fs, L584fs, L629fs, L660fs, L703fs, L733fs, L759fs, L761fs.
Identifiers: ClinVar variation 4072402 (VCV004072402.1).